The following is an entry in ClinVar:

NM_139215.3(TAF15):c.1320T>C (p.Asp440=)

Gene: TAF15 (TATA-box binding protein associated factor 15; plus strand). Cytogenetic location: 17q12.
Variant type: single nucleotide variant.
Coding change: c.1320T>C on transcript NM_139215.3 (MANE Select); coding-DNA position 1320, T replaced by C.
Protein change: p.Asp440=; no amino-acid change (aspartic acid 440 retained).
Molecular consequence: synonymous variant.
Genome position (GRCh38, 1-based): chr17:35,844,619, T>C. VCF-style: chr17-35844619-T-C. GRCh37 (hg19) VCF-style: chr17-34171623-T-C.
Other names: c.1311T>C, p.Asp437= (NM_003487.4).
Identifiers: ClinVar variation 3351257 (VCV003351257.2).

ClinVar aggregate classification (germline): Likely benign. Review status: criteria provided, single submitter (1 of 4 stars). 2 submissions from 2 submitters: Likely benign (1). 1 of the submissions does not count toward it. Last evaluated 2026-07-01.

Conditions:
TAF15-related disorder. Also called: TAF15-related condition.

gnomAD v4.1: 160 of 1,518,068 alleles (0.011%); highest among the groups gnomAD compares: East Asian, 0.34%; no homozygotes.

Submissions (2):

CeGaT Center for Human Genetics Tuebingen
Classification: Likely benign. Last evaluated: 2026-07-01. Review status: criteria provided, single submitter. Criteria: CeGaT Center For Human Genetics Tuebingen Variant Classification Criteria Version 2. Collection method: clinical testing. Allele origin: germline. Affected: yes. Observed: 1 variant allele.
Comment: TAF15: BP4, BP7

PreventionGenetics, part of Exact Sciences
Classification: Likely benign for TAF15-related condition. Last evaluated: 2024-08-01. Review status: no assertion criteria provided. Collection method: clinical testing. Allele origin: germline. Not counted in ClinVar's aggregate classification.
Comment: This variant is classified as likely benign based on ACMG/AMP sequence variant interpretation guidelines (Richards et al. 2015 PMID: 25741868, with internal and published modifications).